The following is an entry in ClinVar:

NM_006949.4(STXBP2):c.703C>G (p.Arg235Gly)

Gene: STXBP2 (syntaxin binding protein 2; plus strand). Cytogenetic location: 19p13.2.
Variant type: single nucleotide variant.
Coding change: c.703C>G on transcript NM_006949.4 (MANE Select); coding-DNA position 703, C replaced by G.
Protein change: p.Arg235Gly; replaces arginine 235 with glycine.
Molecular consequence: missense variant. On other transcripts: non-coding transcript variant (1).
Genome position (GRCh38, 1-based): chr19:7,642,242, C>G. VCF-style: chr19-7642242-C-G. GRCh37 (hg19) VCF-style: chr19-7707128-C-G.
Other names: c.694C>G, p.Arg232Gly (NM_001127396.3); c.736C>G, p.Arg246Gly (NM_001272034.2); short protein forms R246G, R232G, R235G.
Identifiers: ClinVar variation 1387655 (VCV001387655.12), dbSNP rs753879238, ClinGen allele CA304907364.

ClinVar aggregate classification (germline): Conflicting classifications of pathogenicity. Review status: criteria provided, conflicting classifications (1 of 4 stars). 3 submissions from 3 submitters: Likely pathogenic (2); Uncertain significance (1). Last evaluated 2025-04-24.

Conditions:
Familial hemophagocytic lymphohistiocytosis 5. Also called: STXBP2-Related Familial Hemophagocytic Lymphohistiocytosis (STXBP2-fHLH). Identifiers: Orphanet 540, MedGen C2751293, MONDO:0013135, OMIM 613101.
Familial hemophagocytic lymphohistiocytosis (FHL). Also called: Familial erythrophagocytic lymphohistiocytosis; Familial histiocytic reticulosis; Hereditary hemophagocytic lymphohistiocytosis. Identifiers: Orphanet 158038, Orphanet 540, MedGen C0272199, MONDO:0015541.

Allele frequency attached by ClinVar (database versions not stated): TOPMed 0.00001.
gnomAD v4.1: 12 of 1,614,054 alleles (0.00074%); highest among the groups gnomAD compares: African/African-American, 0.004%; no homozygotes.

Submissions (3):

Women's Health and Genetics/Laboratory Corporation of America, LabCorp
Classification: Likely pathogenic for Familial hemophagocytic lymphohistiocytosis. Last evaluated: 2025-04-24. Review status: criteria provided, single submitter. Criteria: LabCorp Variant Classification Summary - May 2015. Collection method: clinical testing. Allele origin: germline.
Comment: Variant summary: STXBP2 c.703C>G (p.Arg235Gly) results in a non-conservative amino acid change in the encoded protein sequence. Five of five in-silico tools predict a damaging effect of the variant on protein function. The variant allele was found at a frequency of 4e-06 in 251370 control chromosomes. c.703C>G has been observed in individual(s) affected with Familial Hemophagocytic Lymphohistiocytosis (Gadoury-Levesque_2020, Alradhi_2024). These data indicate that the variant may be associated with disease. To our knowledge, no experimental evidence demonstrating an impact on protein function has been reported. A different variant affecting the same codon has been classified as likely pathogenic (c.704G>A(p.Arg235Gln)), supporting the critical relevance of codon 235 to STXPB2 protein function. The following publications have been ascertained in the context of this evaluation (PMID: 38978926, 32542393). ClinVar contains an entry for this variant (Variation ID: 1387655). Based on the evidence outlined above, the variant was classified as likely pathogenic.

Labcorp Genetics (formerly Invitae), Labcorp
Classification: Likely pathogenic for Familial hemophagocytic lymphohistiocytosis 5. Last evaluated: 2025-01-24. Review status: criteria provided, single submitter. Criteria: Invitae Variant Classification Sherloc (09022015). Collection method: clinical testing. Allele origin: germline.
Comment: This sequence change replaces arginine, which is basic and polar, with glycine, which is neutral and non-polar, at codon 235 of the STXBP2 protein (p.Arg235Gly). This variant is present in population databases (no rsID available, gnomAD 0.008%). This missense change has been observed in individual(s) with clinical features of hemophagocytic lymphohistiocytosis (PMID: 32542393). ClinVar contains an entry for this variant (Variation ID: 1387655). Invitae Evidence Modeling of protein sequence and biophysical properties (such as structural, functional, and spatial information, amino acid conservation, physicochemical variation, residue mobility, and thermodynamic stability) indicates that this missense variant is expected to disrupt STXBP2 protein function with a positive predictive value of 95%. This variant disrupts the Arg235 amino acid residue in STXBP2. Other variant(s) that disrupt this residue have been observed in individuals with STXBP2-related conditions (PMID: 26684649, 27781387, 34249802, 34330684; Inviate), which suggests that this may be a clinically significant amino acid residue. In summary, the currently available evidence indicates that the variant is pathogenic, but additional data are needed to prove that conclusively. Therefore, this variant has been classified as Likely Pathogenic.

Blueprint Genetics
Classification: Uncertain significance. Last evaluated: 2021-11-15. Review status: criteria provided, single submitter. Criteria: ACMG Guidelines, 2015. Collection method: clinical testing. Allele origin: germline.

Literature cited by the submitters: PubMed 32542393 (cited by Women's Health and Genetics/Laboratory Corporation of America, LabCorp and Labcorp Genetics (formerly Invitae), Labcorp); PubMed 38978926 (cited by Women's Health and Genetics/Laboratory Corporation of America, LabCorp); PubMed 26684649 (cited by Labcorp Genetics (formerly Invitae), Labcorp); PubMed 27781387 (cited by Labcorp Genetics (formerly Invitae), Labcorp); PubMed 34249802 (cited by Labcorp Genetics (formerly Invitae), Labcorp); PubMed 34330684 (cited by Labcorp Genetics (formerly Invitae), Labcorp).